The following is an entry in ClinVar:

ClinVar aggregate classification (germline): Uncertain significance (1 of 4 stars; one submission).

Conditions:
Hereditary breast ovarian cancer syndrome. Also called: Hereditary breast and ovarian cancer; Hereditary breast and ovarian cancer syndrome; Hereditary breast and ovarian cancer syndrome (HBOC); Hereditary breast and/or ovarian cancer syndrome; Breast and ovarian cancer; BRCA1- and BRCA2-Associated Hereditary Breast and Ovarian Cancer. Identifiers: Orphanet 145, MedGen C0677776, MeSH D061325, MONDO:0003582. Disease mechanism: loss of function.

Submission:

Labcorp Genetics (formerly Invitae), Labcorp
Classification: Uncertain significance for Hereditary breast and ovarian cancer syndrome. Last evaluated: 2018-11-20. Review status: criteria provided, single submitter. Criteria: Invitae Variant Classification Sherloc (09022015). Collection method: clinical testing. Allele origin: germline.
Comment: This sequence change replaces isoleucine with lysine at codon 2828 of the BRCA2 protein (p.Ile2828Lys). The isoleucine residue is moderately conserved and there is a moderate physicochemical difference between isoleucine and lysine. This variant is not present in population databases (ExAC no frequency). This variant has not been reported in the literature in individuals with BRCA2-related disease. Algorithms developed to predict the effect of missense changes on protein structure and function are either unavailable or do not agree on the potential impact of this missense change (SIFT: "Deleterious"; PolyPhen-2: "Possibly Damaging"; Align-GVGD: "Class C0"). In summary, the available evidence is currently insufficient to determine the role of this variant in disease. Therefore, it has been classified as a Variant of Uncertain Significance.

NM_000059.4(BRCA2):c.8483T>A (p.Ile2828Lys)

Gene: BRCA2 (BRCA2 DNA repair associated; plus strand). Cytogenetic location: 13q13.1.
Variant type: single nucleotide variant.
Coding change: c.8483T>A on transcript NM_000059.4 (MANE Select); coding-DNA position 8483, T replaced by A.
Protein change: p.Ile2828Lys; replaces isoleucine 2828 with lysine.
Molecular consequence: missense variant.
Genome position (GRCh38, 1-based): chr13:32,370,553, T>A. VCF-style: chr13-32370553-T-A. GRCh37 (hg19) VCF-style: chr13-32944690-T-A.
Other names: short protein forms I2828K.
Identifiers: ClinVar variation 642481 (VCV000642481.1), dbSNP rs1593930555, ClinGen allele CA387752641.